The following is an entry in ClinVar:

NM_001848.3(COL6A1):c.1576-2_1576-1del

Gene: COL6A1 (collagen type VI alpha 1 chain; plus strand). Cytogenetic location: 21q22.3.
Variant type: Deletion.
Coding change: c.1576-2_1576-1del on transcript NM_001848.3 (MANE Select); the canonical splice acceptor site of the intron before coding-DNA position 1576, 2 bases deleted (AG; older notation c.1576-2_1576-1delAG).
Molecular consequence: splice acceptor variant.
Genome position (GRCh38, 1-based): chr21:45,998,396-45,998,397, AG deleted. VCF-style (leftmost placement, unchanged base first): chr21-45998395-CAG-C. GRCh37 (hg19) VCF-style: chr21-47418309-CAG-C.
Other names: c.1576-2_1576-1delAG (NM_001848.2).
Identifiers: ClinVar variation 650261 (VCV000650261.23), dbSNP rs1569518725, ClinGen allele CA915952723.

ClinVar aggregate classification (germline): Pathogenic/Likely pathogenic. Review status: criteria provided, multiple submitters, no conflicts (2 of 4 stars). 3 submissions from 3 submitters: Pathogenic (1); Likely pathogenic (2). Last evaluated 2025-02-01.

Conditions:
Bethlem myopathy 1A. Also called: MYOPATHY, BENIGN CONGENITAL, WITH CONTRACTURES; Bethlem myopathy 1; Bethlem Muscular Dystrophy. Identifiers: Orphanet 610, MedGen CN029274, MONDO:0024530, OMIM 158810.

Allele frequency attached by ClinVar (database versions not stated): gnomAD exomes below 0.00001.

Submissions (3):

CeGaT Center for Human Genetics Tuebingen
Classification: Likely pathogenic. Last evaluated: 2025-02-01. Review status: criteria provided, single submitter. Criteria: CeGaT Center For Human Genetics Tuebingen Variant Classification Criteria Version 2. Collection method: clinical testing. Allele origin: germline. Affected: yes. Observed: 1 variant allele.
Comment: COL6A1: PVS1:Strong, PM2

3billion
Classification: Pathogenic for Bethlem myopathy 1A. Last evaluated: 2023-12-07. Review status: criteria provided, single submitter. Criteria: ACMG Guidelines, 2015. Collection method: clinical testing. Allele origin: germline. Affected: yes.
Comment: The variant is observed at an extremely low frequency in the gnomAD v2.1.1 dataset (total allele frequency: <0.001%). Predicted Consequence/Location: Canonical splice site: predicted to alter splicing and result in a loss or disruption of normal protein function. Multiple pathogenic loss-of-function variants are reported downstream of the variant. The variant has been reported to be associated with COL6A1-related disorder (ClinVar ID: VCV000650261). Therefore, this variant is classified as Pathogenic according to the recommendation of ACMG/AMP guideline.

Labcorp Genetics (formerly Invitae), Labcorp
Classification: Likely pathogenic for Bethlem myopathy 1A. Last evaluated: 2022-06-04. Review status: criteria provided, single submitter. Criteria: Invitae Variant Classification Sherloc (09022015). Collection method: clinical testing. Allele origin: germline.
Comment: This sequence change affects a splice site in intron 23 of the COL6A1 gene. It is expected to disrupt RNA splicing. Variants that disrupt the donor or acceptor splice site typically lead to a loss of protein function (PMID: 16199547), and loss-of-function variants in COL6A1 are known to be disease-causing for autosomal recessive COL6A1 conditions (PMID: 21280092, 20976770). However, certain variants affecting donor or acceptor splice sites in the triple helical domain of COL6A1 are expected to result in in-frame exon skipping and have been reported to cause autosomal dominant COL6A1-related conditions (PMID: 18366090). This variant is not present in population databases (gnomAD no frequency). This variant has not been reported in the literature in individuals affected with COL6A1-related conditions. ClinVar contains an entry for this variant (Variation ID: 650261). Algorithms developed to predict the effect of sequence changes on RNA splicing suggest that this variant may disrupt the consensus splice site. In summary, the currently available evidence indicates that the variant is pathogenic, but additional data are needed to prove that conclusively. Therefore, this variant has been classified as Likely Pathogenic.

Literature cited by the submitters: PubMed 16199547 (cited by Labcorp Genetics (formerly Invitae), Labcorp); PubMed 21280092 (cited by Labcorp Genetics (formerly Invitae), Labcorp); PubMed 20976770 (cited by Labcorp Genetics (formerly Invitae), Labcorp); PubMed 18366090 (cited by Labcorp Genetics (formerly Invitae), Labcorp).